The following is an entry in ClinVar:

NM_001735.3(C5):c.851A>C (p.Gln284Pro)

Gene: C5 (complement C5; minus strand). Cytogenetic location: 9q33.2.
Variant type: single nucleotide variant.
Coding change: c.851A>C on transcript NM_001735.3 (MANE Select); coding-DNA position 851, A replaced by C.
Protein change: p.Gln284Pro; replaces glutamine 284 with proline.
Molecular consequence: missense variant.
Genome position (GRCh38, 1-based): chr9:121,027,182, T>G on the plus strand (A>C on the coding strand, the complement: C5 is on the minus strand). VCF-style: chr9-121027182-T-G. GRCh37 (hg19) VCF-style: chr9-123789460-T-G.
Other names: c.869A>C, p.Gln290Pro (NM_001317163.2); c.851A>C, p.Gln284Pro (NM_001317164.2); short protein forms Q284P, Q290P.
Identifiers: ClinVar variation 3351611 (VCV003351611.1).

ClinVar aggregate classification (germline): Uncertain significance (0 of 4 stars; one submission).

Conditions:
C5-related disorder. Also called: C5-related condition.

gnomAD v4.1: 52 of 1,590,172 alleles (0.0033%); highest among the groups gnomAD compares: South Asian, 0.055%; no homozygotes.

Submission:

PreventionGenetics, part of Exact Sciences
Classification: Uncertain significance for C5-related condition. Last evaluated: 2024-09-07. Review status: no assertion criteria provided. Collection method: clinical testing. Allele origin: germline.
Comment: The C5 c.851A>C variant is predicted to result in the amino acid substitution p.Gln284Pro. To our knowledge, this variant has not been reported in the literature. This variant is reported in 0.059% of alleles in individuals of South Asian descent in gnomAD. At this time, the clinical significance of this variant is uncertain due to the absence of conclusive functional and genetic evidence.